The following is an entry in ClinVar:

ClinVar aggregate classification (germline): Uncertain significance (1 of 4 stars; one submission).

Conditions:
Hereditary cancer-predisposing syndrome. Also called: Hereditary Cancer Syndrome; Hereditary neoplastic syndrome; Neoplastic Syndromes, Hereditary; Tumor predisposition. Identifiers: Orphanet 140162, MedGen C0027672, MeSH D009386, MONDO:0015356.

Submission:

Ambry Genetics
Classification: Uncertain significance for Hereditary cancer-predisposing syndrome. Last evaluated: 2021-03-08. Review status: criteria provided, single submitter. Criteria: Ambry Variant Classification Scheme 2023. Collection method: clinical testing. Allele origin: germline.
Comment: The p.I390T variant (also known as c.1169T>C), located in coding exon 7 of the MSH3 gene, results from a T to C substitution at nucleotide position 1169. The isoleucine at codon 390 is replaced by threonine, an amino acid with similar properties. This amino acid position is not well conserved in available vertebrate species. In addition, this alteration is predicted to be deleterious by in silico analysis. Since supporting evidence is limited at this time, the clinical significance of this alteration remains unclear.

NM_002439.5(MSH3):c.1169T>C (p.Ile390Thr)

Gene: MSH3 (mutS homolog 3; plus strand). Cytogenetic location: 5q14.1.
Variant type: single nucleotide variant.
Coding change: c.1169T>C on transcript NM_002439.5 (MANE Select); coding-DNA position 1169, T replaced by C.
Protein change: p.Ile390Thr; replaces isoleucine 390 with threonine.
Molecular consequence: missense variant.
Genome position (GRCh38, 1-based): chr5:80,675,124, T>C. VCF-style: chr5-80675124-T-C. GRCh37 (hg19) VCF-style: chr5-79970943-T-C.
Other names: short protein forms I390T.
Identifiers: ClinVar variation 1739026 (VCV001739026.2), dbSNP rs2546724442, ClinGen allele CA360268414.